The following is an entry in ClinVar:

NM_001374385.1(ATP8B1):c.3131C>T (p.Ser1044Leu)

Genes: ATP8B1 (ATPase phospholipid transporting 8B1; minus strand), ATP8B1-AS1 (ATP8B1 antisense RNA 1; plus strand). Cytogenetic location: 18q21.31.
Variant type: single nucleotide variant.
Coding change: c.3131C>T on transcript NM_001374385.1 (MANE Select); coding-DNA position 3131, C replaced by T.
Protein change: p.Ser1044Leu; replaces serine 1044 with leucine.
Molecular consequence: missense variant.
Genome position (GRCh38, 1-based): chr18:57,652,614, G>A on the plus strand (C>T on the coding strand, the complement: ATP8B1 is on the minus strand). VCF-style: chr18-57652614-G-A. GRCh37 (hg19) VCF-style: chr18-55319846-G-A.
Other names: c.2981C>T, p.Ser994Leu (NM_001374386.1); c.3131C>T, p.Ser1044Leu (NM_005603.6); short protein forms S1044L, S994L.
Identifiers: ClinVar variation 2679843 (VCV002679843.6), dbSNP rs1324887048, ClinGen allele CA402544239.

ClinVar aggregate classification (germline): Conflicting classifications of pathogenicity. Review status: criteria provided, conflicting classifications (1 of 4 stars). 4 submissions from 4 submitters: Likely pathogenic (1); Uncertain significance (3). Last evaluated 2026-04-14.

Conditions:
Benign recurrent intrahepatic cholestasis type 1. Also called: SUMMERSKILL SYNDROME; Mild-to-Moderate ATP8B1 Deficiency (Benign Recurrent Intrahepatic Cholestasis 1 [BRIC1]). Identifiers: Orphanet 65682, Orphanet 99960, MedGen C4551899, MONDO:0009469, OMIM 243300.
Familial intrahepatic cholestasis. Identifiers: Orphanet 284385, MedGen CN296401, MONDO:0017290.

gnomAD v4.1: 11 of 1,614,144 alleles (0.00068%); highest among the groups gnomAD compares: African/African-American, 0.0027%; no homozygotes.

Submissions (4):

Genomenon, Inc
Classification: Uncertain significance for Familial intrahepatic cholestasis. Last evaluated: 2026-04-14. Review status: criteria provided, single submitter. Criteria: Genomenon Sequence Variant Interpretation Standards - Updated. Collection method: curation. Allele origin: germline. Affected: yes.
Comment: ATP8B1 p.Ser1044Leu (c.3131C>T) is a missense variant that changes the amino acid at residue 1044 from Serine to Leucine. This variant has been observed in at least one proband with features of ATP8B1-deficiency (PMID:17592371). It is absent or not present at a significant frequency in gnomAD. In silico models predict that this variant is possibly or probably damaging. In conclusion, we classify ATP8B1 p.Ser1044Leu (c.3131C>T) as a variant of uncertain significance.

Women's Health and Genetics/Laboratory Corporation of America, LabCorp
Classification: Uncertain significance. Last evaluated: 2025-10-29. Review status: criteria provided, single submitter. Criteria: LabCorp Variant Classification Summary - May 2015. Collection method: clinical testing. Allele origin: germline.
Comment: Variant summary: ATP8B1 c.3131C>T (p.Ser1044Leu) results in a non-conservative amino acid change in the encoded protein sequence. Algorithms developed to predict the effect of missense changes on protein structure and function all suggest that this variant is likely to be disruptive. The variant was absent in 251422 control chromosomes (gnomAD). c.3131C>T has been observed in one individual affected with Progressive familial intrahepatic cholestasis type 1 (Nagasaka_2007). These data indicate that the variant may be associated with disease. To our knowledge, no experimental evidence demonstrating an impact on protein function has been reported. The following publication have been ascertained in the context of this evaluation (PMID: 17592371). ClinVar contains an entry for this variant (Variation ID: 2679843). Based on the evidence outlined above, the variant was classified as VUS-possibly pathogenic.

Baylor Genetics
Classification: Likely pathogenic for Benign recurrent intrahepatic cholestasis type 1. Last evaluated: 2023-10-07. Review status: criteria provided, single submitter. Criteria: ACMG Guidelines, 2015. Collection method: clinical testing. Allele origin: unknown.

Labcorp Genetics (formerly Invitae), Labcorp
Classification: Uncertain significance. Last evaluated: 2023-03-26. Review status: criteria provided, single submitter. Criteria: Invitae Variant Classification Sherloc (09022015). Collection method: clinical testing. Allele origin: germline.
Comment: In summary, the available evidence is currently insufficient to determine the role of this variant in disease. Therefore, it has been classified as a Variant of Uncertain Significance. Advanced modeling of protein sequence and biophysical properties (such as structural, functional, and spatial information, amino acid conservation, physicochemical variation, residue mobility, and thermodynamic stability) performed at Invitae indicates that this missense variant is not expected to disrupt ATP8B1 protein function. This missense change has been observed in individual(s) with benign recurrent intrahepatic cholestasis (PMID: 17592371). This variant is not present in population databases (gnomAD no frequency). This sequence change replaces serine, which is neutral and polar, with leucine, which is neutral and non-polar, at codon 1044 of the ATP8B1 protein (p.Ser1044Leu).

Literature cited by the submitters: PubMed 17592371 (cited by 3 submitters).